The following is an entry in ClinVar:

NM_032634.4(PIGO):c.350A>G (p.His117Arg)

Gene: PIGO (phosphatidylinositol glycan anchor biosynthesis class O; minus strand). Cytogenetic location: 9p13.3.
Variant type: single nucleotide variant.
Coding change: c.350A>G on transcript NM_032634.4 (MANE Select); coding-DNA position 350, A replaced by G.
Protein change: p.His117Arg; replaces histidine 117 with arginine.
Molecular consequence: missense variant.
Genome position (GRCh38, 1-based): chr9:35,095,216, T>C on the plus strand (A>G on the coding strand, the complement: PIGO is on the minus strand). VCF-style: chr9-35095216-T-C. GRCh37 (hg19) VCF-style: chr9-35095213-T-C.
Other names: c.350A>G, p.His117Arg (NM_001201484.2, NM_152850.4); short protein forms H117R.
Identifiers: ClinVar variation 2055245 (VCV002055245.3), dbSNP rs1458224216, ClinGen allele CA373324466.

ClinVar aggregate classification (germline): Uncertain significance (1 of 4 stars; one submission).

Conditions:
Hyperphosphatasia with impaired intellectual development syndrome 2. Also called: Hyperphosphatasia with intellectual disability syndrome 2; GLYCOSYLPHOSPHATIDYLINOSITOL BIOSYNTHESIS DEFECT 6. Identifiers: Orphanet 247262, MedGen C3553637, MONDO:0013882, OMIM 614749.

Allele frequency attached by ClinVar (database versions not stated): gnomAD exomes 0.00001.

Submission:

Labcorp Genetics (formerly Invitae), Labcorp
Classification: Uncertain significance for Hyperphosphatasia with impaired intellectual development syndrome 2. Last evaluated: 2022-05-15. Review status: criteria provided, single submitter. Criteria: Invitae Variant Classification Sherloc (09022015). Collection method: clinical testing. Allele origin: germline.
Comment: In summary, the available evidence is currently insufficient to determine the role of this variant in disease. Therefore, it has been classified as a Variant of Uncertain Significance. Algorithms developed to predict the effect of missense changes on protein structure and function output the following: SIFT: "Deleterious"; PolyPhen-2: "Benign"; Align-GVGD: "Class C0". The arginine amino acid residue is found in multiple mammalian species, which suggests that this missense change does not adversely affect protein function. This variant has not been reported in the literature in individuals affected with PIGO-related conditions. This variant is present in population databases (no rsID available, gnomAD 0.0009%). This sequence change replaces histidine, which is basic and polar, with arginine, which is basic and polar, at codon 117 of the PIGO protein (p.His117Arg).